The following is an entry in ClinVar:

NM_000718.4(CACNA1B):c.6213C>T (p.Pro2071=)

Gene: CACNA1B (calcium voltage-gated channel subunit alpha1 B; plus strand). Cytogenetic location: 9q34.3.
Variant type: single nucleotide variant.
Coding change: c.6213C>T on transcript NM_000718.4 (MANE Select); coding-DNA position 6213, C replaced by T.
Protein change: p.Pro2071=; no amino-acid change (proline 2071 retained).
Molecular consequence: synonymous variant.
Genome position (GRCh38, 1-based): chr9:138,120,347, C>T. VCF-style: chr9-138120347-C-T. GRCh37 (hg19) VCF-style: chr9-141014799-C-T.
Other names: c.6213C>T, p.Pro2071= (NM_001243812.2); c.6213C>T (NM_000718.3).
Identifiers: ClinVar variation 2190177 (VCV002190177.7), dbSNP rs199741792, ClinGen allele CA5377644.

ClinVar aggregate classification (germline): Benign/Likely benign. Review status: criteria provided, multiple submitters, no conflicts (2 of 4 stars). 3 submissions from 3 submitters: Benign (1); Likely benign (1). 1 of the submissions does not count toward it. Last evaluated 2025-12-28.

Conditions:
CACNA1B-related disorder. Also called: CACNA1B-related condition.

Allele frequency attached by ClinVar (database versions not stated): TOPMed 0.00003; gnomAD 0.00006; gnomAD exomes 0.00013; 1000 Genomes Project 30x 0.00016; 1000 Genomes Project 0.00020; ExAC 0.00079.
gnomAD v4.1: 201 of 1,556,132 alleles (0.013%); highest among the groups gnomAD compares: South Asian, 0.22%; 1 homozygote.

Submissions (3):

Labcorp Genetics (formerly Invitae), Labcorp
Classification: Benign. Last evaluated: 2025-12-28. Review status: criteria provided, single submitter. Criteria: Invitae Variant Classification Sherloc (09022015). Collection method: clinical testing. Allele origin: germline.

Blueprint Genetics
Classification: Likely benign. Last evaluated: 2023-07-28. Review status: criteria provided, single submitter. Criteria: ACMG Guidelines, 2015. Collection method: clinical testing. Allele origin: germline.

PreventionGenetics, part of Exact Sciences
Classification: Benign for CACNA1B-related condition. Last evaluated: 2019-04-22. Review status: no assertion criteria provided. Collection method: clinical testing. Allele origin: germline. Not counted in ClinVar's aggregate classification.
Comment: This variant is classified as benign based on ACMG/AMP sequence variant interpretation guidelines (Richards et al. 2015 PMID: 25741868, with internal and published modifications).